The following is an entry in ClinVar:

NM_001164508.2(NEB):c.25130G>C (p.Arg8377Pro)

Genes: NEB (nebulin; minus strand), RIF1 (replication timing regulatory factor 1; plus strand). Cytogenetic location: 2q23.3.
Variant type: single nucleotide variant.
Coding change: c.25130G>C on transcript NM_001164508.2 (MANE Select); coding-DNA position 25130, G replaced by C.
Protein change: p.Arg8377Pro; replaces arginine 8377 with proline.
Molecular consequence: missense variant.
Genome position (GRCh38, 1-based): chr2:151,491,703, C>G on the plus strand (G>C on the coding strand, the complement: NEB is on the minus strand). VCF-style: chr2-151491703-C-G. GRCh37 (hg19) VCF-style: chr2-152348217-C-G.
Other names: c.25130G>C, p.Arg8377Pro (NM_001164507.2); c.25235G>C, p.Arg8412Pro (NM_001271208.2); c.19562G>C, p.Arg6521Pro (NM_004543.5); short protein forms R6521P, R8377P, R8412P.
Identifiers: ClinVar variation 1720077 (VCV001720077.3), dbSNP rs369174368, ClinGen allele CA1905812.

ClinVar aggregate classification (germline): Uncertain significance (1 of 4 stars; one submission).

Conditions:
Nemaline myopathy 2 (NEM2). Also called: Nemaline myopathy 2, autosomal recessive. Identifiers: MedGen C1850569, MONDO:0009725, OMIM 256030.

Allele frequency attached by ClinVar (database versions not stated): ExAC 0.00002.
gnomAD v4.1: 1 of 1,595,884 alleles (0.000063%); highest among the groups gnomAD compares: Non-Finnish European, 0.000085%; no homozygotes.

Submission:

Labcorp Genetics (formerly Invitae), Labcorp
Classification: Uncertain significance for Nemaline myopathy 2. Last evaluated: 2022-09-22. Review status: criteria provided, single submitter. Criteria: Invitae Variant Classification Sherloc (09022015). Collection method: clinical testing. Allele origin: germline.
Comment: This sequence change replaces arginine, which is basic and polar, with proline, which is neutral and non-polar, at codon 8412 of the NEB protein (p.Arg8412Pro). The frequency data for this variant in the population databases is considered unreliable, as metrics indicate poor data quality at this position in the gnomAD database. This variant has not been reported in the literature in individuals affected with NEB-related conditions. Algorithms developed to predict the effect of missense changes on protein structure and function are either unavailable or do not agree on the potential impact of this missense change (SIFT: "Deleterious"; PolyPhen-2: "Not Available"; Align-GVGD: "Class C0"). In summary, the available evidence is currently insufficient to determine the role of this variant in disease. Therefore, it has been classified as a Variant of Uncertain Significance.